The following is an entry in ClinVar:

NM_001377142.1(PLCB4):c.1262C>T (p.Ser421Phe)

Gene: PLCB4 (phospholipase C beta 4; plus strand). Cytogenetic location: 20p12.2.
Variant type: single nucleotide variant.
Coding change: c.1262C>T on transcript NM_001377142.1 (MANE Select); coding-DNA position 1262, C replaced by T.
Protein change: p.Ser421Phe; replaces serine 421 with phenylalanine.
Molecular consequence: missense variant.
Genome position (GRCh38, 1-based): chr20:9,390,554, C>T. VCF-style: chr20-9390554-C-T. GRCh37 (hg19) VCF-style: chr20-9371201-C-T.
Other names: c.1262C>T, p.Ser421Phe (NM_000933.4, NM_001172646.2, NM_001377134.2 and 4 more transcripts); short protein forms S421F.
Identifiers: ClinVar variation 5006406 (VCV005006406.2).

ClinVar aggregate classification (germline): Uncertain significance (1 of 4 stars; one submission).

Conditions:
Auriculocondylar syndrome 2 (ARCND2A). Also called: AURICULOCONDYLAR SYNDROME 2A. Identifiers: Orphanet 137888, MedGen C3553404, MONDO:0013845, OMIM 614669.
Auriculocondylar syndrome 2B (ARCND2B). Identifiers: MedGen C5830664, MONDO:0957544, OMIM 620458.

Submission:

Juno Genomics, Hangzhou Juno Genomics, Inc
Classification: Uncertain significance for Auriculocondylar syndrome 2; Auriculocondylar syndrome 2B. Review status: criteria provided, single submitter. Criteria: ACMG Guidelines, 2015. Collection method: clinical testing. Allele origin: germline.
Comment: Absent from controls (or at extremely low frequency if recessive) in Genome Aggregation Database.;Missense variant in a gene that has a low rate of benign missense variation.